The following is an entry in ClinVar:

ClinVar aggregate classification (germline): Uncertain significance (1 of 4 stars; one submission).

Conditions:
Brown-Vialetto-van Laere syndrome 1. Also called: BROWN-VIALETTO-VAN LAERE SYNDROME 1, MILD; BULBAR PALSY, PROGRESSIVE, WITH SENSORINEURAL DEAFNESS; PONTOBULBAR PALSY WITH DEAFNESS. Identifiers: Orphanet 572550, Orphanet 97229, MedGen C0796274, MONDO:0024537, OMIM 211530.

Allele frequency attached by ClinVar (database versions not stated): gnomAD 0.00002 and 0.00001; gnomAD exomes 0.00001; TOPMed 0.00003.

Submission:

Labcorp Genetics (formerly Invitae), Labcorp
Classification: Uncertain significance for Brown-Vialetto-van Laere syndrome 1. Last evaluated: 2022-02-04. Review status: criteria provided, single submitter. Criteria: Invitae Variant Classification Sherloc (09022015). Collection method: clinical testing. Allele origin: germline.
Comment: This sequence change replaces proline, which is neutral and non-polar, with leucine, which is neutral and non-polar, at codon 128 of the SLC52A3 protein (p.Pro128Leu). This variant is not present in population databases (gnomAD no frequency). This missense change has been observed in individual(s) with adult-onset Brown‚ÄìVialetto‚ÄìVan Laere syndrome (PMID: 25462087). ClinVar contains an entry for this variant (Variation ID: 1013991). Algorithms developed to predict the effect of missense changes on protein structure and function (SIFT, PolyPhen-2, Align-GVGD) all suggest that this variant is likely to be disruptive. In summary, the available evidence is currently insufficient to determine the role of this variant in disease. Therefore, it has been classified as a Variant of Uncertain Significance.

Literature cited by the submitters: PubMed 25462087.

NM_033409.4(SLC52A3):c.383C>T (p.Pro128Leu)

Gene: SLC52A3 (solute carrier family 52 member 3; minus strand). Cytogenetic location: 20p13.
Variant type: single nucleotide variant.
Coding change: c.383C>T on transcript NM_033409.4 (MANE Select); coding-DNA position 383, C replaced by T.
Protein change: p.Pro128Leu; replaces proline 128 with leucine.
Molecular consequence: missense variant.
Genome position (GRCh38, 1-based): chr20:765,392, G>A on the plus strand (C>T on the coding strand, the complement: SLC52A3 is on the minus strand). VCF-style: chr20-765392-G-A. GRCh37 (hg19) VCF-style: chr20-746036-G-A.
Other names: c.383C>T, p.Pro128Leu (NM_001370085.1, NM_001370086.1); short protein forms P128L.
Identifiers: ClinVar variation 1013991 (VCV001013991.4), dbSNP rs890766612, ClinGen allele CA310679172.
Genomic context (GRCh38, chr20:765,392, plus strand): 5'-CTGAGTCCTTCACCCACAAAGAAGGTGGTGAGGTAGTAGGTGGGCAGCCGGCTCATGAAC[G>A]GCAGGAAGGTCACTGAAGAGGTGCAGTCCACCAGGGCCAGGAAGAAGGTGAGGACCAAGA-3'
Protein context (NP_212134.3, residues 118-138): VDCTSSVTFL[Pro128Leu]FMSRLPTYYL